The following is an entry in ClinVar:

NM_000090.4(COL3A1):c.2892G>A (p.Met964Ile)

Gene: COL3A1 (collagen type III alpha 1 chain; plus strand). Cytogenetic location: 2q32.2.
Variant type: single nucleotide variant.
Coding change: c.2892G>A on transcript NM_000090.4 (MANE Select); coding-DNA position 2892, G replaced by A.
Protein change: p.Met964Ile; replaces methionine 964 with isoleucine.
Molecular consequence: missense variant.
Genome position (GRCh38, 1-based): chr2:189,004,325, G>A. VCF-style: chr2-189004325-G-A. GRCh37 (hg19) VCF-style: chr2-189869051-G-A.
Other names: short protein forms M964I.
Identifiers: ClinVar variation 4800330 (VCV004800330.1).

ClinVar aggregate classification (germline): Uncertain significance (1 of 4 stars; one submission).

Conditions:
Ehlers-Danlos syndrome, type 4 (EDSVASC). Also called: Ehlers-Danlos syndrome vascular type; Ehlers Danlos syndrome, ecchymotic type; Ehlers Danlos syndrome, arterial type; Ehlers Danlos syndrome, Sack-Barabas type; Ehlers-Danlos Syndrome Type IV. Identifiers: Orphanet 286, MedGen C0268338, MONDO:0017314, OMIM 130050.

Submission:

Labcorp Genetics (formerly Invitae), Labcorp
Classification: Uncertain significance for Ehlers-Danlos syndrome, type 4. Last evaluated: 2025-09-20. Review status: criteria provided, single submitter. Criteria: Invitae Variant Classification Sherloc (09022015). Collection method: clinical testing. Allele origin: germline.
Comment: This sequence change replaces methionine, which is neutral and non-polar, with isoleucine, which is neutral and non-polar, at codon 964 of the COL3A1 protein (p.Met964Ile). This variant is not present in population databases (gnomAD no frequency). This variant has not been reported in the literature in individuals affected with COL3A1-related conditions. Invitae Evidence Modeling of protein sequence and biophysical properties (such as structural, functional, and spatial information, amino acid conservation, physicochemical variation, residue mobility, and thermodynamic stability) indicates that this missense variant is not expected to disrupt COL3A1 protein function with a negative predictive value of 95%. In summary, the available evidence is currently insufficient to determine the role of this variant in disease. Therefore, it has been classified as a Variant of Uncertain Significance.